The following is an entry in ClinVar:

NM_177438.3(DICER1):c.545T>C (p.Leu182Pro)

Gene: DICER1 (dicer 1, ribonuclease III; minus strand). Cytogenetic location: 14q32.13.
Variant type: single nucleotide variant.
Coding change: c.545T>C on transcript NM_177438.3 (MANE Select); coding-DNA position 545, T replaced by C.
Protein change: p.Leu182Pro; replaces leucine 182 with proline.
Molecular consequence: missense variant. On other transcripts: 5 prime UTR variant (1), non-coding transcript variant (6), intron variant (1).
Genome position (GRCh38, 1-based): chr14:95,130,086, A>G on the plus strand (T>C on the coding strand, the complement: DICER1 is on the minus strand). VCF-style: chr14-95130086-A-G. GRCh37 (hg19) VCF-style: chr14-95596423-A-G.
Other names: c.545T>C, p.Leu182Pro (NM_001195573.1, NM_001271282.3, NM_001291628.2 and 15 more transcripts); c.263T>C, p.Leu88Pro (NM_001395686.1); c.140T>C, p.Leu47Pro (NM_001395687.1, NM_001395688.1, NM_001395689.1 and 3 more transcripts); c.-1024T>C (NM_001395697.1); c.-20-3T>C (NM_001395691.1); short protein forms L47P, L88P, L182P.
Identifiers: ClinVar variation 2787403 (VCV002787403.4), dbSNP rs2543301008, ClinGen allele CA390888387.

ClinVar aggregate classification (germline): Uncertain significance. Review status: criteria provided, multiple submitters, no conflicts (2 of 4 stars). 2 submissions from 2 submitters: Uncertain significance (2). Last evaluated 2025-08-29.

Conditions:
Hereditary cancer-predisposing syndrome. Also called: Hereditary Cancer Syndrome; Hereditary neoplastic syndrome; Tumor predisposition; Neoplastic Syndromes, Hereditary. Identifiers: Orphanet 140162, MedGen C0027672, MeSH D009386, MONDO:0015356.
DICER1-related tumor predisposition. Also called: DICER1 syndrome; DICER1-related pleuropulmonary blastoma cancer predisposition syndrome. Identifiers: Orphanet 284343, MedGen C3839822, MONDO:0100216.

Submissions (2):

Ambry Genetics
Classification: Uncertain significance for Hereditary cancer-predisposing syndrome. Last evaluated: 2025-08-29. Review status: criteria provided, single submitter. Criteria: Ambry Variant Classification Scheme 2023. Collection method: clinical testing. Allele origin: germline.
Comment: The p.L182P variant (also known as c.545T>C), located in coding exon 4 of the DICER1 gene, results from a T to C substitution at nucleotide position 545. The leucine at codon 182 is replaced by proline, an amino acid with similar properties. This amino acid position is conserved. In addition, this alteration is predicted to be tolerated by in silico analysis. Based on the available evidence, the clinical significance of this variant remains unclear.

Labcorp Genetics (formerly Invitae), Labcorp
Classification: Uncertain significance for DICER1-related tumor predisposition. Last evaluated: 2025-04-07. Review status: criteria provided, single submitter. Criteria: Invitae Variant Classification Sherloc (09022015). Collection method: clinical testing. Allele origin: germline.
Comment: This sequence change replaces leucine, which is neutral and non-polar, with proline, which is neutral and non-polar, at codon 182 of the DICER1 protein (p.Leu182Pro). This variant is not present in population databases (gnomAD no frequency). This variant has not been reported in the literature in individuals affected with DICER1-related conditions. ClinVar contains an entry for this variant (Variation ID: 2787403). Invitae Evidence Modeling of protein sequence and biophysical properties (such as structural, functional, and spatial information, amino acid conservation, physicochemical variation, residue mobility, and thermodynamic stability) indicates that this missense variant is not expected to disrupt DICER1 protein function with a negative predictive value of 95%. In summary, the available evidence is currently insufficient to determine the role of this variant in disease. Therefore, it has been classified as a Variant of Uncertain Significance.